The following is an entry in ClinVar:

NM_001384900.1(SEMA3D):c.1502A>C (p.Lys501Thr)

Gene: SEMA3D (semaphorin 3D; minus strand). Cytogenetic location: 7q21.11.
Variant type: single nucleotide variant.
Coding change: c.1502A>C on transcript NM_001384900.1 (MANE Select); coding-DNA position 1502, A replaced by C.
Protein change: p.Lys501Thr; replaces lysine 501 with threonine.
Molecular consequence: missense variant.
Genome position (GRCh38, 1-based): chr7:85,020,234, T>G on the plus strand (A>C on the coding strand, the complement: SEMA3D is on the minus strand). VCF-style: chr7-85020234-T-G. GRCh37 (hg19) VCF-style: chr7-84649550-T-G.
Other names: c.1502A>C, p.Lys501Thr (NM_001384901.1, NM_001384902.1, NM_001384903.1 and 1 more transcripts); short protein forms K501T.
Identifiers: ClinVar variation 2657654 (VCV002657654.24), dbSNP rs2535146101, ClinGen allele CA368024919.
Genomic context (GRCh38, chr7:85,020,234, plus strand): 5'-ATAACAAGCGCTACTCAGTTTCAACATCTTTTCTCCTGGCACTCTGGACTGAGTCTTACC[T>G]TGAATATCTGCAACTCCTCCAGCACTACCTCTTCCATATTCCACTTTTCCTTTGAAATGC-3'
Protein context (NP_001371829.1, residues 491-511): EVVLEELQIF[Lys501Thr]HSSIILNMEL

ClinVar aggregate classification (germline): Uncertain significance (1 of 4 stars; one submission).

Allele frequency attached by ClinVar (database versions not stated): gnomAD exomes below 0.00001.
gnomAD v4.1: 1 of 1,603,698 alleles (0.000062%); highest among the groups gnomAD compares: Non-Finnish European, 0.000085%; no homozygotes.

Submission:

CeGaT Center for Human Genetics Tuebingen
Classification: Uncertain significance. Last evaluated: 2022-07-01. Review status: criteria provided, single submitter. Criteria: CeGaT Center For Human Genetics Tuebingen Variant Classification Criteria Version 2. Collection method: clinical testing. Allele origin: germline. Affected: yes. Observed: 1 variant allele.
Comment: SEMA3D: PM2